The following is an entry in ClinVar:

ClinVar aggregate classification (germline): Uncertain significance (1 of 4 stars; one submission).

Submission:

Labcorp Genetics (formerly Invitae), Labcorp
Classification: Uncertain significance. Last evaluated: 2026-01-12. Review status: criteria provided, single submitter. Criteria: Invitae Variant Classification Sherloc (09022015). Collection method: clinical testing. Allele origin: germline.
Comment: This sequence change replaces glutamic acid, which is acidic and polar, with aspartic acid, which is acidic and polar, at codon 475 of the CSF1R protein (p.Glu475Asp). This variant is not present in population databases (gnomAD no frequency). This variant has not been reported in the literature in individuals affected with CSF1R-related conditions. Invitae Evidence Modeling of protein sequence and biophysical properties (such as structural, functional, and spatial information, amino acid conservation, physicochemical variation, residue mobility, and thermodynamic stability) indicates that this missense variant is not expected to disrupt CSF1R protein function with a negative predictive value of 95%. In summary, the available evidence is currently insufficient to determine the role of this variant in disease. Therefore, it has been classified as a Variant of Uncertain Significance.

NM_001288705.3(CSF1R):c.1425G>C (p.Glu475Asp)

Gene: CSF1R (colony stimulating factor 1 receptor; minus strand). Cytogenetic location: 5q32.
Variant type: single nucleotide variant.
Coding change: c.1425G>C on transcript NM_001288705.3 (MANE Select); coding-DNA position 1425, G replaced by C.
Protein change: p.Glu475Asp; replaces glutamic acid 475 with aspartic acid.
Molecular consequence: missense variant. On other transcripts: non-coding transcript variant (2).
Genome position (GRCh38, 1-based): chr5:150,069,958, C>G on the plus strand (G>C on the coding strand, the complement: CSF1R is on the minus strand). VCF-style: chr5-150069958-C-G. GRCh37 (hg19) VCF-style: chr5-149449521-C-G.
Other names: c.1425G>C, p.Glu475Asp (NM_001349736.2, NM_001375320.1, NM_005211.4); c.981G>C, p.Glu327Asp (NM_001375321.1); short protein forms E327D, E475D.
Identifiers: ClinVar variation 4764275 (VCV004764275.1).